The following is an entry in ClinVar:

NM_004369.4(COL6A3):c.1228G>T (p.Asp410Tyr)

Gene: COL6A3 (collagen type VI alpha 3 chain; minus strand). Cytogenetic location: 2q37.3.
Variant type: single nucleotide variant.
Coding change: c.1228G>T on transcript NM_004369.4 (MANE Select); coding-DNA position 1228, G replaced by T.
Protein change: p.Asp410Tyr; replaces aspartic acid 410 with tyrosine.
Molecular consequence: missense variant. On other transcripts: intron variant (2).
Genome position (GRCh38, 1-based): chr2:237,387,666, C>A on the plus strand (G>T on the coding strand, the complement: COL6A3 is on the minus strand). VCF-style: chr2-237387666-C-A. GRCh37 (hg19) VCF-style: chr2-238296309-C-A.
Other names: c.610G>T, p.Asp204Tyr (NM_057165.5, NM_057167.4); c.92-6167G>T (NM_057166.5, NM_057164.5); short protein forms D204Y, D410Y.
Identifiers: ClinVar variation 2971806 (VCV002971806.3), dbSNP rs35914491, ClinGen allele CA351220994.

ClinVar aggregate classification (germline): Uncertain significance (1 of 4 stars; one submission).

Conditions:
Bethlem myopathy 1A. Also called: MYOPATHY, BENIGN CONGENITAL, WITH CONTRACTURES; Bethlem myopathy 1; Bethlem Muscular Dystrophy. Identifiers: Orphanet 610, MedGen CN029274, MONDO:0024530, OMIM 158810.

gnomAD v4.1: 7 of 1,613,674 alleles (0.00043%); highest among the groups gnomAD compares: Non-Finnish European, 0.00059%; no homozygotes.

Submission:

Labcorp Genetics (formerly Invitae), Labcorp
Classification: Uncertain significance for Bethlem myopathy 1A. Last evaluated: 2025-08-14. Review status: criteria provided, single submitter. Criteria: Invitae Variant Classification Sherloc (09022015). Collection method: clinical testing. Allele origin: germline.
Comment: This sequence change replaces aspartic acid, which is acidic and polar, with tyrosine, which is neutral and polar, at codon 410 of the COL6A3 protein (p.Asp410Tyr). The frequency data for this variant in the population databases is considered unreliable, as metrics indicate poor data quality at this position in the gnomAD database. This variant has not been reported in the literature in individuals affected with COL6A3-related conditions. ClinVar contains an entry for this variant (Variation ID: 2971806). Invitae Evidence Modeling of protein sequence and biophysical properties (such as structural, functional, and spatial information, amino acid conservation, physicochemical variation, residue mobility, and thermodynamic stability) indicates that this missense variant is not expected to disrupt COL6A3 protein function with a negative predictive value of 95%. In summary, the available evidence is currently insufficient to determine the role of this variant in disease. Therefore, it has been classified as a Variant of Uncertain Significance.